The following is an entry in ClinVar:

ClinVar aggregate classification (germline): Uncertain significance. Review status: criteria provided, multiple submitters, no conflicts (2 of 4 stars). 2 submissions from 2 submitters: Uncertain significance (2). Last evaluated 2025-12-28.

Conditions:
Chuvash polycythemia. Also called: POLYCYTHEMIA, VHL-DEPENDENT. Identifiers: Orphanet 238557, MedGen C1837915, MONDO:0009892, OMIM 263400.
Von Hippel-Lindau syndrome (VHLS). Also called: VHL syndrome; von Hippel–Lindau syndrome; Von Hippel-Lindau. Identifiers: Orphanet 892, MedGen C0019562, MONDO:0008667, OMIM 193300. Disease mechanism: loss of function.

Submissions (2):

Labcorp Genetics (formerly Invitae), Labcorp
Classification: Uncertain significance for Von Hippel-Lindau syndrome; Chuvash polycythemia. Last evaluated: 2025-12-28. Review status: criteria provided, single submitter. Criteria: Invitae Variant Classification Sherloc (09022015). Collection method: clinical testing. Allele origin: germline.
Comment: This sequence change replaces serine, which is neutral and polar, with proline, which is neutral and non-polar, at codon 139 of the VHL protein (p.Ser139Pro). This variant is not present in population databases (gnomAD no frequency). This variant has not been reported in the literature in individuals affected with VHL-related conditions. ClinVar contains an entry for this variant (Variation ID: 1019135). Invitae Evidence Modeling of protein sequence and biophysical properties (such as structural, functional, and spatial information, amino acid conservation, physicochemical variation, residue mobility, and thermodynamic stability) indicates that this missense variant is expected to disrupt VHL protein function with a positive predictive value of 95%. In summary, the available evidence is currently insufficient to determine the role of this variant in disease. Therefore, it has been classified as a Variant of Uncertain Significance.

Quest Diagnostics Nichols Institute San Juan Capistrano
Classification: Uncertain significance. Last evaluated: 2024-06-10. Review status: criteria provided, single submitter. Criteria: Quest Diagnostics criteria. Collection method: clinical testing. Allele origin: unknown.

NM_000551.4(VHL):c.415T>C (p.Ser139Pro)

Genes: VHL (von Hippel-Lindau tumor suppressor; plus strand), LOC107303340 (3p25 von Hippel-Lindau tumor suppressor, E3 ubiquitin protein ligase Alu-mediated recombination region; plus strand). Cytogenetic location: 3p25.3.
Variant type: single nucleotide variant.
Coding change: c.415T>C on transcript NM_000551.4 (MANE Select); coding-DNA position 415, T replaced by C.
Protein change: p.Ser139Pro; replaces serine 139 with proline.
Molecular consequence: missense variant. On other transcripts: intron variant (2).
Genome position (GRCh38, 1-based): chr3:10,146,588, T>C. VCF-style: chr3-10146588-T-C. GRCh37 (hg19) VCF-style: chr3-10188272-T-C.
Other names: c.*18-3199T>C (NM_001354723.2); c.341-3199T>C (NM_198156.3); c.415T>C (NM_000551.3); short protein forms S139P.
Identifiers: ClinVar variation 1019135 (VCV001019135.10), dbSNP rs1696264596, ClinGen allele CA351754094.
Genomic context (GRCh38, chr3:10,146,588, plus strand): 5'-TTCAGAGATGCAGGGACACACGATGGGCTTCTGGTTAACCAAACTGAATTATTTGTGCCA[T>C]CTCTCAATGTTGACGGACAGCCTATTTTTGCCAATATCACACTGCCAGGTACTGACGTTT-3'
Protein context (NP_000542.1, residues 129-149): LVNQTELFVP[Ser139Pro]LNVDGQPIFA